The following is an entry in ClinVar:

ClinVar aggregate classification (germline): Uncertain significance (1 of 4 stars; one submission).

Allele frequency attached by ClinVar (database versions not stated): gnomAD exomes 0.00001 and 0.00002; gnomAD 0.00002 and 0.00003; TOPMed 0.00003; ExAC 0.00003; 1000 Genomes Project 30x 0.00016; 1000 Genomes Project 0.00020.
gnomAD v4.1: 13 of 1,612,040 alleles (0.00081%); highest among the groups gnomAD compares: African/African-American, 0.0053%; no homozygotes.

Submission:

Labcorp Genetics (formerly Invitae), Labcorp
Classification: Uncertain significance. Last evaluated: 2021-08-30. Review status: criteria provided, single submitter. Criteria: Invitae Variant Classification Sherloc (09022015). Collection method: clinical testing. Allele origin: germline.
Comment: This sequence change replaces alanine with valine at codon 1478 of the OBSL1 protein (p.Ala1478Val). The alanine residue is weakly conserved and there is a small physicochemical difference between alanine and valine. This variant is present in population databases (rs187584538, ExAC 0.01%). This variant has not been reported in the literature in individuals affected with OBSL1-related conditions. Algorithms developed to predict the effect of missense changes on protein structure and function output the following: SIFT: "Tolerated"; PolyPhen-2: "Benign"; Align-GVGD: "Class C0". The valine amino acid residue is found in multiple mammalian species, which suggests that this missense change does not adversely affect protein function. In summary, the available evidence is currently insufficient to determine the role of this variant in disease. Therefore, it has been classified as a Variant of Uncertain Significance.

NM_015311.3(OBSL1):c.4433C>T (p.Ala1478Val)

Gene: OBSL1 (obscurin like cytoskeletal adaptor 1; minus strand). Cytogenetic location: 2q35.
Variant type: single nucleotide variant.
Coding change: c.4433C>T on transcript NM_015311.3 (MANE Select); coding-DNA position 4433, C replaced by T.
Protein change: p.Ala1478Val; replaces alanine 1478 with valine.
Molecular consequence: missense variant.
Genome position (GRCh38, 1-based): chr2:219,556,196, G>A on the plus strand (C>T on the coding strand, the complement: OBSL1 is on the minus strand). VCF-style: chr2-219556196-G-A. GRCh37 (hg19) VCF-style: chr2-220420918-G-A.
Other names: c.4433C>T, p.Ala1478Val (NM_001173431.2); short protein forms A1478V.
Identifiers: ClinVar variation 1014283 (VCV001014283.2), dbSNP rs187584538, ClinGen allele CA2130549.
Genomic context (GRCh38, chr2:219,556,196, plus strand): 5'-ATGGACAGGCGAGAGTCGTGGGGCAGGGGCTGCCCACCTCGCACCCAGCGCACGGCCCCC[G>A]CTGCACCCACTCGGCCTGTCTCCACTTCGAGACACACATCCTGGCCTTCCTCTGCCCGCA-3'
Protein context (NP_056126.1, residues 1468-1488): LEVETGRVGA[Ala1478Val]GAVRWVRGGQ